The following is an entry in ClinVar:

ClinVar aggregate classification (germline): Uncertain significance (1 of 4 stars; one submission).

Conditions:
Aortic aneurysm, familial thoracic 8 (AAT8). Identifiers: MedGen C3809513, MONDO:0014187, OMIM 615436.

Submission:

Labcorp Genetics (formerly Invitae), Labcorp
Classification: Uncertain significance for Aortic aneurysm, familial thoracic 8. Last evaluated: 2024-07-23. Review status: criteria provided, single submitter. Criteria: Invitae Variant Classification Sherloc (09022015). Collection method: clinical testing. Allele origin: germline.
Comment: This sequence change affects codon 178 of the PRKG1 mRNA. It is a 'silent' change, meaning that it does not change the encoded amino acid sequence of the PRKG1 protein. This variant is not present in population databases (gnomAD no frequency). This variant has not been reported in the literature in individuals affected with PRKG1-related conditions. Algorithms developed to predict the effect of sequence changes on RNA splicing suggest that this variant may create or strengthen a splice site. In summary, the available evidence is currently insufficient to determine the role of this variant in disease. Therefore, it has been classified as a Variant of Uncertain Significance.

NM_006258.4(PRKG1):c.534A>T (p.Gly178=)

Gene: PRKG1 (protein kinase cGMP-dependent 1; plus strand). Cytogenetic location: 10q21.1.
Variant type: single nucleotide variant.
Coding change: c.534A>T on transcript NM_006258.4 (MANE Select); coding-DNA position 534, A replaced by T.
Protein change: p.Gly178=; no amino-acid change (glycine 178 retained).
Molecular consequence: synonymous variant.
Genome position (GRCh38, 1-based): chr10:51,467,778, A>T. VCF-style: chr10-51467778-A-T. GRCh37 (hg19) VCF-style: chr10-53227538-A-T.
Other names: c.489A>T, p.Gly163= (NM_001098512.3); c.534A>T, p.Gly178= (NM_001374782.1).
Identifiers: ClinVar variation 3613718 (VCV003613718.2).